The following is an entry in ClinVar:

ClinVar aggregate classification (germline): Uncertain significance. Review status: criteria provided, multiple submitters, no conflicts (2 of 4 stars). 2 submissions from 2 submitters: Uncertain significance (2). Last evaluated 2025-04-17.

Conditions:
Holoprosencephaly sequence (HPE). Also called: Holoprosencephaly. Identifiers: Orphanet 2162, MedGen C0079541, MONDO:0016296, HP:0001360.

Allele frequency attached by ClinVar (database versions not stated): gnomAD exomes 0.00001; ExAC 0.00012.

Submissions (2):

Labcorp Genetics (formerly Invitae), Labcorp
Classification: Uncertain significance for Holoprosencephaly sequence. Last evaluated: 2025-04-17. Review status: criteria provided, single submitter. Criteria: Invitae Variant Classification Sherloc (09022015). Collection method: clinical testing. Allele origin: germline.
Comment: This sequence change replaces glutamic acid, which is acidic and polar, with valine, which is neutral and non-polar, at codon 15 of the FOXH1 protein (p.Glu15Val). This variant is present in population databases (rs781140141, gnomAD 0.003%). This variant has not been reported in the literature in individuals affected with FOXH1-related conditions. ClinVar contains an entry for this variant (Variation ID: 910938). Invitae Evidence Modeling of protein sequence and biophysical properties (such as structural, functional, and spatial information, amino acid conservation, physicochemical variation, residue mobility, and thermodynamic stability) indicates that this missense variant is not expected to disrupt FOXH1 protein function with a negative predictive value of 80%. In summary, the available evidence is currently insufficient to determine the role of this variant in disease. Therefore, it has been classified as a Variant of Uncertain Significance.

Illumina Laboratory Services, Illumina
Classification: Uncertain significance for Holoprosencephaly sequence. Last evaluated: 2018-01-13. Review status: criteria provided, single submitter. Criteria: ICSL Variant Classification Criteria 13 December 2019. Collection method: clinical testing. Allele origin: germline.

NM_003923.3(FOXH1):c.44A>T (p.Glu15Val)

Gene: FOXH1 (forkhead box H1; minus strand). Cytogenetic location: 8q24.3.
Variant type: single nucleotide variant.
Coding change: c.44A>T on transcript NM_003923.3 (MANE Select); coding-DNA position 44, A replaced by T.
Protein change: p.Glu15Val; replaces glutamic acid 15 with valine.
Molecular consequence: missense variant.
Genome position (GRCh38, 1-based): chr8:144,475,713, T>A on the plus strand (A>T on the coding strand, the complement: FOXH1 is on the minus strand). VCF-style: chr8-144475713-T-A. GRCh37 (hg19) VCF-style: chr8-145701096-T-A.
Other names: short protein forms E15V.
Identifiers: ClinVar variation 910938 (VCV000910938.5), dbSNP rs781140141, ClinGen allele CA4945685.